The following is an entry in ClinVar:

NM_004656.4(BAP1):c.78G>C (p.Gly26=)

Gene: BAP1 (BRCA1 associated deubiquitinase 1; minus strand). Cytogenetic location: 3p21.1.
Variant type: single nucleotide variant.
Coding change: c.78G>C on transcript NM_004656.4 (MANE Select); coding-DNA position 78, G replaced by C.
Protein change: p.Gly26=; no amino-acid change (glycine 26 retained).
Molecular consequence: synonymous variant.
Genome position (GRCh38, 1-based): chr3:52,409,598, C>G on the plus strand (G>C on the coding strand, the complement: BAP1 is on the minus strand). VCF-style: chr3-52409598-C-G. GRCh37 (hg19) VCF-style: chr3-52443614-C-G.
Other names: c.78G>C, p.Gly26= (NM_001410772.1).
Identifiers: ClinVar variation 3379091 (VCV003379091.2).
Genomic context (GRCh38, chr3:52,409,598, plus strand): 5'-GTGTACAGCCACTCACCCCTGACATTTGCTCTGAAGGTCGTAGATCTCCTCCACTTGCAC[C>G]CCCTTGACACCTGCGATGAGGAAAGGAAAGCAGTAGGGAAGGACAGCCCCTGATGAGTGA-3'
Protein context (NP_004647.1, residues 16-36): TLLVEDFGVK[Gly26=]VQVEEIYDLQ

ClinVar aggregate classification (germline): Benign/Likely benign. Review status: criteria provided, multiple submitters, no conflicts (2 of 4 stars). 2 submissions from 2 submitters: Benign (1); Likely benign (1). Last evaluated 2025-03-03.

Conditions:
BAP1-related tumor predisposition syndrome (TPDS1). Also called: COMMON Syndrome; Tumor susceptibility linked to germline BAP1 mutations; TUMOR PREDISPOSITION SYNDROME 1; BAP1 tumor predisposition syndrome. Identifiers: Orphanet 289539, MedGen C3280492, MONDO:0013692, OMIM 614327.

gnomAD v4.1: 1 of 1,614,158 alleles (0.000062%); highest among the groups gnomAD compares: Non-Finnish European, 0.000085%; no homozygotes.

Submissions (2):

Labcorp Genetics (formerly Invitae), Labcorp
Classification: Likely benign for BAP1-related tumor predisposition syndrome. Last evaluated: 2025-03-03. Review status: criteria provided, single submitter. Criteria: Invitae Variant Classification Sherloc (09022015). Collection method: clinical testing. Allele origin: germline.

Myriad Genetics, Inc.
Classification: Benign for BAP1-related tumor predisposition syndrome. Last evaluated: 2024-07-11. Review status: criteria provided, single submitter. Criteria: Myriad Autosomal Dominant, Autosomal Recessive and X-Linked Classification Criteria (2023). Collection method: clinical testing. Allele origin: unknown.
Comment: This variant is considered benign. This variant is a silent/synonymous amino acid change and it is not expected to impact splicing.